The following is an entry in ClinVar:

ClinVar aggregate classification (germline): Likely benign (1 of 4 stars; one submission).

gnomAD v4.1: 17 of 1,613,908 alleles (0.0011%); highest among the groups gnomAD compares: South Asian, 0.013%; 1 homozygote.

Submission:

CeGaT Center for Human Genetics Tuebingen
Classification: Likely benign. Last evaluated: 2025-08-01. Review status: criteria provided, single submitter. Criteria: CeGaT Center For Human Genetics Tuebingen Variant Classification Criteria Version 2. Collection method: clinical testing. Allele origin: germline. Affected: yes. Observed: 1 variant allele.
Comment: EMILIN2: BP4, BP7

NM_032048.3(EMILIN2):c.2928C>T (p.Ser976=)

Gene: EMILIN2 (elastin microfibril interfacer 2; plus strand). Cytogenetic location: 18p11.31.
Variant type: single nucleotide variant.
Coding change: c.2928C>T on transcript NM_032048.3 (MANE Select); coding-DNA position 2928, C replaced by T.
Protein change: p.Ser976=; no amino-acid change (serine 976 retained).
Molecular consequence: synonymous variant.
Genome position (GRCh38, 1-based): chr18:2,913,170, C>T. VCF-style: chr18-2913170-C-T. GRCh37 (hg19) VCF-style: chr18-2913168-C-T.
Identifiers: ClinVar variation 4083910 (VCV004083910.8).